The following is an entry in ClinVar:

ClinVar aggregate classification (germline): Uncertain significance. Review status: criteria provided, multiple submitters, no conflicts (2 of 4 stars). 3 submissions from 3 submitters: Uncertain significance (3). Last evaluated 2026-08-15.

Conditions:
Inborn genetic diseases. Identifiers: MedGen C0950123, MeSH D030342.
Cognitive impairment - coarse facies - heart defects - obesity - pulmonary involvement - short stature - skeletal dysplasia syndrome. Also called: COGNITIVE IMPAIRMENT, COARSE FACIES, HEART DEFECTS, OBESITY, PULMONARY INVOLVEMENT, SHORT STATURE, AND SKELETAL DYSPLASIA; AFF4-Related CHOPS Syndrome; Chops syndrome. Identifiers: Orphanet 444077, MedGen C4085597, MONDO:0014609, OMIM 616368.
AFF4-related disorder. Also called: AFF4-related condition.

Allele frequency attached by ClinVar (database versions not stated): ExAC 0.00001; TOPMed 0.00001.

Submissions (3):

PreventionGenetics, part of Exact Sciences
Classification: Uncertain significance for AFF4-related condition. Last evaluated: 2026-08-15. Review status: criteria provided, single submitter. Criteria: ACMG Guidelines, 2015. Collection method: clinical testing. Allele origin: germline.
Comment: The AFF4 c.3274A>G variant is predicted to result in the amino acid substitution p.Met1092Val. To our knowledge, this variant has not been reported in the literature. This variant is reported in 0.00088% of alleles in individuals of European (Non-Finnish) descent in gnomAD. At this time, the clinical significance of this variant is uncertain due to the absence of conclusive functional and genetic evidence.

Ambry Genetics
Classification: Uncertain significance for Inborn genetic diseases. Last evaluated: 2026-02-16. Review status: criteria provided, single submitter. Criteria: Ambry Variant Classification Scheme 2023. Collection method: clinical testing. Allele origin: germline.
Comment: The c.3274A>G (p.M1092V) alteration is located in exon 20 (coding exon 19) of the AFF4 gene. This alteration results from a A to G substitution at nucleotide position 3274, causing the methionine (M) at amino acid position 1092 to be replaced by a valine (V). Based on data from gnomAD, the G allele has an overall frequency of <0.001% (1/251298) total alleles studied. The highest observed frequency was 0.001% (1/113588) of European (non-Finnish) alleles. Based on insufficient or conflicting evidence, the clinical significance of this alteration remains unclear.

Labcorp Genetics (formerly Invitae), Labcorp
Classification: Uncertain significance for Cognitive impairment - coarse facies - heart defects - obesity - pulmonary involvement - short stature - skeletal dysplasia syndrome. Last evaluated: 2022-01-08. Review status: criteria provided, single submitter. Criteria: Invitae Variant Classification Sherloc (09022015). Collection method: clinical testing. Allele origin: germline.
Comment: In summary, the available evidence is currently insufficient to determine the role of this variant in disease. Therefore, it has been classified as a Variant of Uncertain Significance. Algorithms developed to predict the effect of sequence changes on RNA splicing suggest that this variant may create or strengthen a splice site. Algorithms developed to predict the effect of missense changes on protein structure and function are either unavailable or do not agree on the potential impact of this missense change (SIFT: "Deleterious"; PolyPhen-2: "Possibly Damaging"; Align-GVGD: "Class C0"). This variant has not been reported in the literature in individuals affected with AFF4-related conditions. This variant is present in population databases (rs773844010, gnomAD 0.0009%). This sequence change replaces methionine, which is neutral and non-polar, with valine, which is neutral and non-polar, at codon 1092 of the AFF4 protein (p.Met1092Val).

NM_014423.4(AFF4):c.3274A>G (p.Met1092Val)

Gene: AFF4 (ALF transcription elongation factor 4; minus strand). Cytogenetic location: 5q31.1.
Variant type: single nucleotide variant.
Coding change: c.3274A>G on transcript NM_014423.4 (MANE Select); coding-DNA position 3274, A replaced by G.
Protein change: p.Met1092Val; replaces methionine 1092 with valine.
Molecular consequence: missense variant.
Genome position (GRCh38, 1-based): chr5:132,883,430, T>C on the plus strand (A>G on the coding strand, the complement: AFF4 is on the minus strand). VCF-style: chr5-132883430-T-C. GRCh37 (hg19) VCF-style: chr5-132219122-T-C.
Other names: c.3274A>G (NM_014423.3); short protein forms M1092V.
Identifiers: ClinVar variation 2152918 (VCV002152918.6), dbSNP rs773844010, ClinGen allele CA3408702.
Genomic context (GRCh38, chr5:132,883,430, plus strand): 5'-GGTCCCAAATTTCGGTGGCATAGAGGAAGTTGGATGTGACCTGAACATAGCTGGCTGCCA[T>C]CTGGTGGATCTTCTGTGGAATGGTCACTGAAGAACCACTTGCAGAAGCACTACTGGCCCC-3'
Protein context (NP_055238.1, residues 1082-1102): SVTIPQKIHQ[Met1092Val]AASYVQVTSN